The following is an entry in ClinVar:

ClinVar aggregate classification (germline): Uncertain significance (1 of 4 stars; one submission).

Conditions:
Hereditary diffuse gastric adenocarcinoma (HDGC). Also called: DIFFUSE GASTRIC AND LOBULAR BREAST CANCER SYNDROME. Identifiers: Orphanet 26106, MedGen C1708349, MONDO:0007648, OMIM 137215.

Submission:

Labcorp Genetics (formerly Invitae), Labcorp
Classification: Uncertain significance for Hereditary diffuse gastric adenocarcinoma. Last evaluated: 2024-08-31. Review status: criteria provided, single submitter. Criteria: Invitae Variant Classification Sherloc (09022015). Collection method: clinical testing. Allele origin: germline.
Comment: This sequence change replaces aspartic acid, which is acidic and polar, with glycine, which is neutral and non-polar, at codon 308 of the CDH1 protein (p.Asp308Gly). This variant is not present in population databases (gnomAD no frequency). This variant has not been reported in the literature in individuals affected with CDH1-related conditions. An algorithm developed to predict the effect of missense changes on protein structure and function (PolyPhen-2) suggests that this variant is likely to be tolerated. Algorithms developed to predict the effect of sequence changes on RNA splicing suggest that this variant may create or strengthen a splice site. In summary, the available evidence is currently insufficient to determine the role of this variant in disease. Therefore, it has been classified as a Variant of Uncertain Significance.

NM_004360.5(CDH1):c.923A>G (p.Asp308Gly)

Gene: CDH1 (cadherin 1; plus strand). Cytogenetic location: 16q22.1.
Variant type: single nucleotide variant.
Coding change: c.923A>G on transcript NM_004360.5 (MANE Select); coding-DNA position 923, A replaced by G.
Protein change: p.Asp308Gly; replaces aspartic acid 308 with glycine.
Molecular consequence: missense variant. On other transcripts: 5 prime UTR variant (2).
Genome position (GRCh38, 1-based): chr16:68,811,774, A>G. VCF-style: chr16-68811774-A-G. GRCh37 (hg19) VCF-style: chr16-68845677-A-G.
Other names: c.923A>G, p.Asp308Gly (NM_001317184.2); c.-693A>G (NM_001317185.2); c.-897A>G (NM_001317186.2); short protein forms D308G.
Identifiers: ClinVar variation 2753389 (VCV002753389.3), dbSNP rs1567506664, ClinGen allele CA396459726.